The following is an entry in ClinVar:

ClinVar aggregate classification (germline): Conflicting classifications of pathogenicity. Review status: criteria provided, conflicting classifications (1 of 4 stars). 4 submissions from 4 submitters: Uncertain significance (3); Likely benign (1). Last evaluated 2025-10-10.

Conditions:
Hyperthyroxinemia, dystransthyretinemic. Also called: HYPERTHYROXINEMIA, DYSPREALBUMINEMIC; EUTHRYROIDAL HYPERTHYROXINEMIA 2. Identifiers: MedGen C2750824, MONDO:0007785, OMIM 145680.
Carpal tunnel syndrome 1 (CTS1). Also called: Carpal tunnel syndrome, familial. Identifiers: MedGen C5779776, MONDO:0020730, OMIM 115430.
Amyloidosis, hereditary systemic 1 (AMYLD1). Also called: Familial amyloid polyneuropathy; AMYLOID CARDIOMYOPATHY; Isolated Cardiac Amyloidosis; Amyloid Cardiomyopathy, Transthyretin-related; Transthyretin Amyloidosis; Hereditary oculoleptomeningeal amyloid angiopathy. Identifiers: Orphanet 85447, Orphanet 85451, MedGen C2751492, MONDO:0971004, OMIM 105210.
Cardiovascular phenotype. Identifiers: MedGen CN230736.

Allele frequency attached by ClinVar (database versions not stated): gnomAD 0.00001; ExAC 0.00002; gnomAD exomes 0.00002; TOPMed 0.00002.
gnomAD v4.1: 12 of 1,614,064 alleles (0.00074%); highest among the groups gnomAD compares: Admixed American, 0.018%; no homozygotes.

Submissions (4):

Ambry Genetics
Classification: Likely benign for Cardiovascular phenotype. Last evaluated: 2025-10-10. Review status: criteria provided, single submitter. Criteria: Ambry Variant Classification Scheme 2023. Collection method: clinical testing. Allele origin: germline.

Labcorp Genetics (formerly Invitae), Labcorp
Classification: Uncertain significance for Amyloidosis, hereditary systemic 1. Last evaluated: 2025-09-03. Review status: criteria provided, single submitter. Criteria: Invitae Variant Classification Sherloc (09022015). Collection method: clinical testing. Allele origin: germline.
Comment: This sequence change replaces isoleucine, which is neutral and non-polar, with valine, which is neutral and non-polar, at codon 46 of the TTR protein (p.Ile46Val). This variant is present in population databases (rs773584864, gnomAD 0.02%). This variant has not been reported in the literature in individuals affected with TTR-related conditions. ClinVar contains an entry for this variant (Variation ID: 246201). Invitae Evidence Modeling of protein sequence and biophysical properties (such as structural, functional, and spatial information, amino acid conservation, physicochemical variation, residue mobility, and thermodynamic stability) indicates that this missense variant is expected to disrupt TTR protein function with a positive predictive value of 80%. In summary, the available evidence is currently insufficient to determine the role of this variant in disease. Therefore, it has been classified as a Variant of Uncertain Significance.

Fulgent Genetics
Classification: Uncertain significance for Amyloidosis, hereditary systemic 1; Carpal tunnel syndrome 1; Hyperthyroxinemia, dystransthyretinemic. Last evaluated: 2022-05-05. Review status: criteria provided, single submitter. Criteria: ACMG Guidelines, 2015. Collection method: clinical testing. Allele origin: unknown.

GeneDx
Classification: Uncertain significance. Last evaluated: 2017-10-26. Review status: criteria provided, single submitter. Criteria: GeneDx Variant Classification (06012015). Collection method: clinical testing. Allele origin: germline. Affected: yes.
Comment: The I46V variant has not been published as pathogenic or been reported as a benign variant to our knowledge. The I46V variant is a conservative amino acid substitution, which is not likely to impact secondary protein structure as these residues share similar properties. This substitution occurs at a position that is not conserved. In silico analysis predicts this variant likely does not alter the protein structure/function. However, the I46V variant was not observed in approximately 6500 individuals of European and African American ancestry in the NHLBI Exome Sequencing Project, indicating it is not a common benign variant in these populations. Although not in any known functional domain, missense variants in nearby residues (S43N, R44S, A45S, A45T, V48M) have been reported in the Human Gene Mutation Database in association with amyloidosis (Stenson et al., 2014).Therefore, based on the currently available information, it is unclear whether this variant is pathogenic or rare benign

NM_000371.4(TTR):c.136A>G (p.Ile46Val)

Gene: TTR (transthyretin; plus strand). Cytogenetic location: 18q12.1.
Variant type: single nucleotide variant.
Coding change: c.136A>G on transcript NM_000371.4 (MANE Select); coding-DNA position 136, A replaced by G.
Protein change: p.Ile46Val; replaces isoleucine 46 with valine.
Molecular consequence: missense variant.
Genome position (GRCh38, 1-based): chr18:31,592,962, A>G. VCF-style: chr18-31592962-A-G. GRCh37 (hg19) VCF-style: chr18-29172925-A-G.
Other names: short protein forms I46V.
Identifiers: ClinVar variation 246201 (VCV000246201.11), dbSNP rs773584864, ClinGen allele CA8928416.